The following is an entry in ClinVar:

ClinVar aggregate classification (germline): Conflicting classifications of pathogenicity. Review status: criteria provided, conflicting classifications (1 of 4 stars). 2 submissions from 2 submitters: Uncertain significance (1); Likely benign (1). Last evaluated 2025-09-04.

gnomAD v4.1: 23 of 1,609,872 alleles (0.0014%); highest among the groups gnomAD compares: Non-Finnish European, 0.000085%; no homozygotes.

Submissions (2):

Labcorp Genetics (formerly Invitae), Labcorp
Classification: Likely benign. Last evaluated: 2025-09-04. Review status: criteria provided, single submitter. Criteria: Invitae Variant Classification Sherloc (09022015). Collection method: clinical testing. Allele origin: germline.

Women's Health and Genetics/Laboratory Corporation of America, LabCorp
Classification: Uncertain significance. Last evaluated: 2024-11-27. Review status: criteria provided, single submitter. Criteria: LabCorp Variant Classification Summary - May 2015. Collection method: clinical testing. Allele origin: germline.
Comment: Variant summary: SPTBN2 c.2321A>C (p.Glu774Ala) results in a non-conservative amino acid change in the encoded protein sequence. Four of five in-silico tools predict a damaging effect of the variant on protein function. The variant allele was found at a frequency of 3.2e-05 in 247372 control chromosomes. The available data on variant occurrences in the general population are insufficient to allow any conclusion about variant significance. To our knowledge, no occurrence of c.2321A>C in individuals affected with Spinocerebellar Ataxia 5 and no experimental evidence demonstrating its impact on protein function have been reported. No submitters have cited clinical-significance assessments for this variant to ClinVar. Based on the evidence outlined above, the variant was classified as uncertain significance.

NM_006946.4(SPTBN2):c.2321A>C (p.Glu774Ala)

Gene: SPTBN2 (spectrin beta, non-erythrocytic 2; minus strand). Cytogenetic location: 11q13.2.
Variant type: single nucleotide variant.
Coding change: c.2321A>C on transcript NM_006946.4 (MANE Select); coding-DNA position 2321, A replaced by C.
Protein change: p.Glu774Ala; replaces glutamic acid 774 with alanine.
Molecular consequence: missense variant.
Genome position (GRCh38, 1-based): chr11:66,704,955, T>G on the plus strand (A>C on the coding strand, the complement: SPTBN2 is on the minus strand). VCF-style: chr11-66704955-T-G. GRCh37 (hg19) VCF-style: chr11-66472426-T-G.
Other names: c.2342A>C, p.Glu781Ala (NM_001411025.1); short protein forms E774A, E781A.
Identifiers: ClinVar variation 3629513 (VCV003629513.3).
Genomic context (GRCh38, chr11:66,704,955, plus strand): 5'-TCCTCCAGGGCCCGATGCTGCCTGGCTAGAGCCTGCGTGGAGAACTCGTCGTGCCCCAGC[T>G]CGGGGCTGGACACCAGGCGCAGTGCGTCAACCAACCAGGCCTCCATGTCGTTTGCATCGG-3'
Protein context (NP_008877.2, residues 764-784): VDALRLVSSP[Glu774Ala]LGHDEFSTQA